The following is an entry in ClinVar:

ClinVar aggregate classification (germline): Uncertain significance. Review status: criteria provided, multiple submitters, no conflicts (2 of 4 stars). 2 submissions from 2 submitters: Uncertain significance (2). Last evaluated 2022-10-31.

Conditions:
Severe combined immunodeficiency due to DNA-PKcs deficiency. Also called: IMMUNODEFICIENCY 26 WITH NEUROLOGIC ABNORMALITIES; Immunodeficiency 26 with or without neurologic abnormalities. Identifiers: Orphanet 317425, MedGen C4014833, MONDO:0014423, OMIM 615966.

Allele frequency attached by ClinVar (database versions not stated): gnomAD 0.00002; TOPMed 0.00002; gnomAD exomes 0.00008; ESP Exome Variant Server 0.00017.
gnomAD v4.1: 111 of 1,533,802 alleles (0.0072%); highest among the groups gnomAD compares: Non-Finnish European, 0.0093%; no homozygotes.

Submissions (2):

Ambry Genetics
Classification: Uncertain significance. Last evaluated: 2022-10-31. Review status: criteria provided, single submitter. Criteria: Ambry Variant Classification Scheme 2023. Collection method: clinical testing. Allele origin: germline.
Comment: The p.A549V variant (also known as c.1646C>T), located in coding exon 16 of the PRKDC gene, results from a C to T substitution at nucleotide position 1646. The alanine at codon 549 is replaced by valine, an amino acid with similar properties. This amino acid position is conserved. In addition, this alteration is predicted to be tolerated by in silico analysis. Since supporting evidence is limited at this time, the clinical significance of this alteration remains unclear.

Labcorp Genetics (formerly Invitae), Labcorp
Classification: Uncertain significance for Severe combined immunodeficiency due to DNA-PKcs deficiency. Last evaluated: 2021-08-31. Review status: criteria provided, single submitter. Criteria: Invitae Variant Classification Sherloc (09022015). Collection method: clinical testing. Allele origin: germline.

NM_006904.7(PRKDC):c.1646C>T (p.Ala549Val)

Gene: PRKDC (protein kinase, DNA-activated, catalytic subunit; minus strand). Cytogenetic location: 8q11.21.
Variant type: single nucleotide variant.
Coding change: c.1646C>T on transcript NM_006904.7 (MANE Select); coding-DNA position 1646, C replaced by T.
Protein change: p.Ala549Val; replaces alanine 549 with valine.
Molecular consequence: missense variant.
Genome position (GRCh38, 1-based): chr8:47,933,150, G>A on the plus strand (C>T on the coding strand, the complement: PRKDC is on the minus strand). VCF-style: chr8-47933150-G-A. GRCh37 (hg19) VCF-style: chr8-48845710-G-A.
Other names: c.1646C>T, p.Ala549Val (NM_001081640.2); short protein forms A549V.
Identifiers: ClinVar variation 970633 (VCV000970633.8), dbSNP rs370809936, ClinGen allele CA4741668.